The following is an entry in ClinVar:

NM_025081.3(NYNRIN):c.1157C>T (p.Ala386Val)

Gene: NYNRIN (NYN domain and retroviral integrase containing; plus strand). Cytogenetic location: 14q12.
Variant type: single nucleotide variant.
Coding change: c.1157C>T on transcript NM_025081.3 (MANE Select); coding-DNA position 1157, C replaced by T.
Protein change: p.Ala386Val; replaces alanine 386 with valine.
Molecular consequence: missense variant.
Genome position (GRCh38, 1-based): chr14:24,408,951, C>T. VCF-style: chr14-24408951-C-T. GRCh37 (hg19) VCF-style: chr14-24878157-C-T.
Other names: short protein forms A386V.
Identifiers: ClinVar variation 3712996 (VCV003712996.2).

ClinVar aggregate classification (germline): Uncertain significance (1 of 4 stars; one submission).

Submission:

Labcorp Genetics (formerly Invitae), Labcorp
Classification: Uncertain significance. Last evaluated: 2025-03-14. Review status: criteria provided, single submitter. Criteria: Invitae Variant Classification Sherloc (09022015). Collection method: clinical testing. Allele origin: germline.
Comment: This sequence change replaces alanine, which is neutral and non-polar, with valine, which is neutral and non-polar, at codon 386 of the NYNRIN protein (p.Ala386Val). This variant is present in population databases (rs375919152, gnomAD 0.009%). This variant has not been reported in the literature in individuals affected with NYNRIN-related conditions. Algorithms developed to predict the effect of sequence changes on RNA splicing suggest that this variant may create or strengthen a splice site. In summary, the available evidence is currently insufficient to determine the role of this variant in disease. Therefore, it has been classified as a Variant of Uncertain Significance.